The following is an entry in ClinVar:

NM_000642.3(AGL):c.3863G>C (p.Gly1288Ala)

Gene: AGL (amylo-alpha-1,6-glucosidase and 4-alpha-glucanotransferase; plus strand). Cytogenetic location: 1p21.2.
Variant type: single nucleotide variant.
Coding change: c.3863G>C on transcript NM_000642.3 (MANE Select); coding-DNA position 3863, G replaced by C.
Protein change: p.Gly1288Ala; replaces glycine 1288 with alanine.
Molecular consequence: missense variant.
Genome position (GRCh38, 1-based): chr1:99,912,431, G>C. VCF-style: chr1-99912431-G-C. GRCh37 (hg19) VCF-style: chr1-100377987-G-C.
Other names: c.3863G>C, p.Gly1288Ala (NM_000028.3, NM_000643.3, NM_000644.3 and 1 more transcripts); c.3815G>C, p.Gly1272Ala (NM_000646.3); c.3842G>C, p.Gly1281Ala (NM_001425326.1); c.3662G>C, p.Gly1221Ala (NM_001425327.1); c.3659G>C, p.Gly1220Ala (NM_001425328.1); c.3524G>C, p.Gly1175Ala (NM_001425329.1); c.3485G>C, p.Gly1162Ala (NM_001425332.1); short protein forms G1288A, G1272A, G1162A, G1175A, G1220A, G1221A, G1281A.
Identifiers: ClinVar variation 1437980 (VCV001437980.5), dbSNP rs1333279828, ClinGen allele CA341338721.

ClinVar aggregate classification (germline): Uncertain significance (1 of 4 stars; one submission).

Conditions:
Glycogen storage disease type III (GSD3). Also called: FORBES DISEASE; Cori disease. Identifiers: Orphanet 366, MedGen C0017922, MONDO:0009291, OMIM 232400.

Allele frequency attached by ClinVar (database versions not stated): gnomAD exomes below 0.00001.
gnomAD v4.1: 1 of 1,613,912 alleles (0.000062%); highest among the groups gnomAD compares: Admixed American, 0.0017%; no homozygotes.

Submission:

Labcorp Genetics (formerly Invitae), Labcorp
Classification: Uncertain significance for Glycogen storage disease type III. Last evaluated: 2022-08-16. Review status: criteria provided, single submitter. Criteria: Invitae Variant Classification Sherloc (09022015). Collection method: clinical testing. Allele origin: germline.
Comment: This sequence change replaces glycine, which is neutral and non-polar, with alanine, which is neutral and non-polar, at codon 1288 of the AGL protein (p.Gly1288Ala). This variant is present in population databases (no rsID available, gnomAD 0.003%). This variant has not been reported in the literature in individuals affected with AGL-related conditions. ClinVar contains an entry for this variant (Variation ID: 1437980). Algorithms developed to predict the effect of missense changes on protein structure and function (SIFT, PolyPhen-2, Align-GVGD) all suggest that this variant is likely to be disruptive. In summary, the available evidence is currently insufficient to determine the role of this variant in disease. Therefore, it has been classified as a Variant of Uncertain Significance.